The following is an entry in ClinVar:

NM_004752.4(GCM2):c.283G>A (p.Asp95Asn)

Gene: GCM2 (glial cells missing transcription factor 2; minus strand). Cytogenetic location: 6p24.2.
Variant type: single nucleotide variant.
Coding change: c.283G>A on transcript NM_004752.4 (MANE Select); coding-DNA position 283, G replaced by A.
Protein change: p.Asp95Asn; replaces aspartic acid 95 with asparagine.
Molecular consequence: missense variant.
Genome position (GRCh38, 1-based): chr6:10,877,200, C>T on the plus strand (G>A on the coding strand, the complement: GCM2 is on the minus strand). VCF-style: chr6-10877200-C-T. GRCh37 (hg19) VCF-style: chr6-10877433-C-T.
Other names: c.283G>A (NM_004752.3); short protein forms D95N.
Identifiers: ClinVar variation 2168626 (VCV002168626.6), dbSNP rs374388110, ClinGen allele CA3634129.

ClinVar aggregate classification (germline): Uncertain significance. Review status: criteria provided, multiple submitters, no conflicts (2 of 4 stars). 3 submissions from 3 submitters: Uncertain significance (3). Last evaluated 2026-01-06.

Conditions:
Familial hyperparathyroidism or Hypocalciuric hypercalcaemia.
Inborn genetic diseases. Identifiers: MedGen C0950123, MeSH D030342.

Allele frequency attached by ClinVar (database versions not stated): gnomAD 0.00005; TOPMed 0.00005; ESP Exome Variant Server 0.00008.
gnomAD v4.1: 78 of 1,613,924 alleles (0.0048%); highest among the groups gnomAD compares: African/African-American, 0.0093%; no homozygotes.

Submissions (3):

Cambridge Genomics Laboratory, East Genomic Laboratory Hub, NHS Genomic Medicine Service
Classification: Uncertain significance for Familial hyperparathyroidism or Hypocalciuric hypercalcaemia. Last evaluated: 2026-01-06. Review status: criteria provided, single submitter. Criteria: ACGS Best Practice Guidelines for Variant Classification in Rare Disease 2020. Collection method: clinical testing. Allele origin: germline. Affected: yes.
Comment: PP2

Labcorp Genetics (formerly Invitae), Labcorp
Classification: Uncertain significance. Last evaluated: 2025-12-09. Review status: criteria provided, single submitter. Criteria: Invitae Variant Classification Sherloc (09022015). Collection method: clinical testing. Allele origin: germline.
Comment: This sequence change replaces aspartic acid, which is acidic and polar, with asparagine, which is neutral and polar, at codon 95 of the GCM2 protein (p.Asp95Asn). This variant is present in population databases (rs374388110, gnomAD 0.02%). This variant has not been reported in the literature in individuals affected with GCM2-related conditions. ClinVar contains an entry for this variant (Variation ID: 2168626). Invitae Evidence Modeling of protein sequence and biophysical properties (such as structural, functional, and spatial information, amino acid conservation, physicochemical variation, residue mobility, and thermodynamic stability) indicates that this missense variant is not expected to disrupt GCM2 protein function with a negative predictive value of 80%. In summary, the available evidence is currently insufficient to determine the role of this variant in disease. Therefore, it has been classified as a Variant of Uncertain Significance.

Ambry Genetics
Classification: Uncertain significance for Inborn genetic diseases. Last evaluated: 2025-07-02. Review status: criteria provided, single submitter. Criteria: Ambry Variant Classification Scheme 2023. Collection method: clinical testing. Allele origin: germline.